The following is an entry in ClinVar:

NC_000010.10:g.(50669603_50678227)_(50684357_50686399)dup

Gene: ERCC6 (ERCC excision repair 6, chromatin remodeling factor; minus strand). Cytogenetic location: 10q11.23.
Variant type: Duplication.
Identifiers: ClinVar variation 1329082 (VCV001329082.1).

ClinVar aggregate classification (germline): Likely pathogenic (1 of 4 stars; one submission).

Conditions:
Cockayne syndrome. Identifiers: Orphanet 191, MedGen C0009207, MONDO:0016006.

Submission:

Women's Health and Genetics/Laboratory Corporation of America, LabCorp
Classification: Likely pathogenic for Cockayne syndrome. Last evaluated: 2021-11-02. Review status: criteria provided, single submitter. Criteria: LabCorp Variant Classification Summary - May 2015. Collection method: clinical testing. Allele origin: germline.
Comment: Variant summary: The variant identified by MLPA or other technology involves the duplication of exons 12-18 in the ERCC6 gene. A presumed nomenclature of c.(2286+1_2287-1)_(3778+1_3779-1)dup has been designated for the purposes of this classification. It has been assumed that this is a tandem duplication in direct orientation (Richardson_GIM_2018, Newman_AJHG_2015). Although exact breakpoints of this duplication are not known, it is expected to result in a frameshift duplication change in the ERCC6 gene. The variant was absent in 21650 control chromosomes (gnomAD database, Structural Variants dataset). To our knowledge, no occurrence of c.(2286+1_2287-1)_(3778+1_3779-1)dup in individuals affected with Cockayne Syndrome and no experimental evidence demonstrating its impact on protein function have been reported. No clinical diagnostic laboratories have submitted clinical-significance assessments for this variant to ClinVar after 2014. Based on the evidence outlined above, the variant was classified as likely pathogenic.